The following is an entry in ClinVar:

ClinVar aggregate classification (germline): Uncertain significance (1 of 4 stars; one submission).

Submission:

Women's Health and Genetics/Laboratory Corporation of America, LabCorp
Classification: Uncertain significance. Last evaluated: 2025-11-11. Review status: criteria provided, single submitter. Criteria: LabCorp Variant Classification Summary - May 2015. Collection method: clinical testing. Allele origin: germline.
Comment: Variant summary: MED13L c.311-6983_311-2926del is located within intron 2, at a position not widely known to affect splicing. A similar intronic deletion was found at a frequency of 2.5e-05 in 120780 control chromosomes in the gnomAD database (Structural Variants v4.1 dataset). To our knowledge, no occurrence of c.(310+1_311-1)_(479+1_480-1)del in individuals affected with MED13L-related conditions and no experimental evidence demonstrating its impact on protein function has been reported. No submitters have cited clinical-significance assessments for this variant to ClinVar. Based on the evidence outlined above, the variant was classified as uncertain significance.

NM_015335.5(MED13L):c.311-6981_311-2924del

Gene: MED13L (mediator complex subunit 13L; minus strand). Cytogenetic location: 12q24.21.
Variant type: Deletion.
Coding change: c.311-6981_311-2924del on transcript NM_015335.5 (MANE Select); 6981 bases into the intron before coding-DNA position 311 through 2924 bases into the intron before coding-DNA position 311, 4,058 bases deleted.
Molecular consequence: intron variant.
Genome position (GRCh38, 1-based): chr12:116,114,436-116,118,493, 4,058 bases deleted. GRCh37 (hg19): chr12:116,552,243-116,556,300.
Other names: c.311-6983_311-2926del (NM_015335.5).
Identifiers: ClinVar variation 4536823 (VCV004536823.1).